The following is an entry in ClinVar:

ClinVar aggregate classification (germline): Uncertain significance (1 of 4 stars; one submission).

Conditions:
Arrhythmogenic right ventricular dysplasia 13. Also called: Arrhythmogenic right ventricular dysplasia, familial, 13; ARRHYTHMOGENIC RIGHT VENTRICULAR CARDIOMYOPATHY 13. Identifiers: MedGen C3810138, MONDO:0000908, OMIM 615616.

Allele frequency attached by ClinVar (database versions not stated): gnomAD 0.00003; TOPMed 0.00003; gnomAD exomes 0.00004; ExAC 0.00006; ESP Exome Variant Server 0.00015.
gnomAD v4.1: 60 of 1,613,940 alleles (0.0037%); highest among the groups gnomAD compares: Non-Finnish European, 0.0043%; no homozygotes.

Submission:

Labcorp Genetics (formerly Invitae), Labcorp
Classification: Uncertain significance for Arrhythmogenic right ventricular dysplasia 13. Last evaluated: 2025-06-11. Review status: criteria provided, single submitter. Criteria: Invitae Variant Classification Sherloc (09022015). Collection method: clinical testing. Allele origin: germline.
Comment: This sequence change replaces arginine, which is basic and polar, with tryptophan, which is neutral and slightly polar, at codon 543 of the CTNNA3 protein (p.Arg543Trp). This variant is present in population databases (rs372758887, gnomAD 0.02%). This variant has not been reported in the literature in individuals affected with CTNNA3-related conditions. ClinVar contains an entry for this variant (Variation ID: 474819). Invitae Evidence Modeling of protein sequence and biophysical properties (such as structural, functional, and spatial information, amino acid conservation, physicochemical variation, residue mobility, and thermodynamic stability) indicates that this missense variant is expected to disrupt CTNNA3 protein function with a positive predictive value of 80%. In summary, the available evidence is currently insufficient to determine the role of this variant in disease. Therefore, it has been classified as a Variant of Uncertain Significance.

NM_013266.4(CTNNA3):c.1627C>T (p.Arg543Trp)

Gene: CTNNA3 (catenin alpha 3; minus strand). Cytogenetic location: 10q21.3.
Variant type: single nucleotide variant.
Coding change: c.1627C>T on transcript NM_013266.4 (MANE Select); coding-DNA position 1627, C replaced by T.
Protein change: p.Arg543Trp; replaces arginine 543 with tryptophan.
Molecular consequence: missense variant.
Genome position (GRCh38, 1-based): chr10:66,379,257, G>A on the plus strand (C>T on the coding strand, the complement: CTNNA3 is on the minus strand). VCF-style: chr10-66379257-G-A. GRCh37 (hg19) VCF-style: chr10-68139015-G-A.
Other names: c.1627C>T, p.Arg543Trp (NM_001127384.3); short protein forms R543W.
Identifiers: ClinVar variation 474819 (VCV000474819.9), dbSNP rs372758887, ClinGen allele CA5519878.
Genomic context (GRCh38, chr10:66,379,257, plus strand): 5'-AAGCCCCTGGCTCGTAACTGTCCATTTCACCCGTGACGATGTGAGCAACTCTTGCTGCCC[G>A]GCCTCTGATAGCACCCGCAGCACGGTCTAAATTATCAGCATCCTGGTCTCTTAAGGCTAT-3'
Protein context (NP_037398.2, residues 533-553): LDRAAGAIRG[Arg543Trp]AARVAHIVTG